The following is an entry in ClinVar:

ClinVar aggregate classification (germline): Uncertain significance. Review status: criteria provided, multiple submitters, no conflicts (2 of 4 stars). 2 submissions from 2 submitters: Uncertain significance (2). Last evaluated 2025-04-01.

Conditions:
Nemaline myopathy 6 (NEM6). Also called: Nemaline myopathy 6, autosomal dominant. Identifiers: Orphanet 171439, MedGen C1836472, MONDO:0012237, OMIM 609273.

Allele frequency attached by ClinVar (database versions not stated): gnomAD 0.00003.
gnomAD v4.1: 7 of 1,555,630 alleles (0.00045%); highest among the groups gnomAD compares: African/African-American, 0.0095%; no homozygotes.

Submissions (2):

Revvity Omics, Revvity
Classification: Uncertain significance for Nemaline myopathy 6. Last evaluated: 2025-04-01. Review status: criteria provided, single submitter. Criteria: ACMG Guidelines, 2015. Collection method: clinical testing. Allele origin: germline.

Labcorp Genetics (formerly Invitae), Labcorp
Classification: Uncertain significance for Nemaline myopathy 6. Last evaluated: 2022-04-17. Review status: criteria provided, single submitter. Criteria: Invitae Variant Classification Sherloc (09022015). Collection method: clinical testing. Allele origin: germline.
Comment: This sequence change replaces valine, which is neutral and non-polar, with leucine, which is neutral and non-polar, at codon 9 of the KBTBD13 protein (p.Val9Leu). This variant is not present in population databases (gnomAD no frequency). This variant has not been reported in the literature in individuals affected with KBTBD13-related conditions. Algorithms developed to predict the effect of missense changes on protein structure and function (SIFT, PolyPhen-2, Align-GVGD) all suggest that this variant is likely to be tolerated. In summary, the available evidence is currently insufficient to determine the role of this variant in disease. Therefore, it has been classified as a Variant of Uncertain Significance.

NM_001101362.3(KBTBD13):c.25G>T (p.Val9Leu)

Gene: KBTBD13 (kelch repeat and BTB domain containing 13; plus strand). Cytogenetic location: 15q22.31.
Variant type: single nucleotide variant.
Coding change: c.25G>T on transcript NM_001101362.3 (MANE Select); coding-DNA position 25, G replaced by T.
Protein change: p.Val9Leu; replaces valine 9 with leucine.
Molecular consequence: missense variant.
Genome position (GRCh38, 1-based): chr15:65,076,840, G>T. VCF-style: chr15-65076840-G-T. GRCh37 (hg19) VCF-style: chr15-65369178-G-T.
Other names: short protein forms V9L.
Identifiers: ClinVar variation 2153471 (VCV002153471.5), dbSNP rs561115735, ClinGen allele CA271502583.
Genomic context (GRCh38, chr15:65,076,840, plus strand): 5'-AGGCCCCAGCGGCAGCCTCCGCCCGGCCAGCTCGCCATGGCACGGGGTCCACAGACCCTG[G>T]TGCAGGTGTGGGTGGGCGGCCAGCTCTTCCAAGCCGACCGCGCCCTGCTGGTGGAGCACT-3'
Protein context (NP_001094832.1, residues 1-19): MARGPQTL[Val9Leu]QVWVGGQLFQ